The following is an entry in ClinVar:

NM_004006.3(DMD):c.9225-5795G>A

Gene: DMD (dystrophin; minus strand). Cytogenetic location: Xp21.2.
Variant type: single nucleotide variant.
Coding change: c.9225-5795G>A on transcript NM_004006.3 (MANE Select); 5795 bases into the intron before coding-DNA position 9225, G replaced by A.
Molecular consequence: intron variant. On other transcripts: missense variant (5).
Genome position (GRCh38, 1-based): chrX:31,266,811, C>T on the plus strand (G>A on the coding strand, the complement: DMD is on the minus strand). VCF-style: chrX-31266811-C-T. GRCh37 (hg19) VCF-style: chrX-31284928-C-T.
Other names: c.19G>A, p.Gly7Ser (NM_004015.3, NM_004016.3, NM_004017.3 and 2 more transcripts); c.19G>A (NM_004015.2); c.9201-5795G>A (NM_000109.4); c.5202-5795G>A (NM_004011.4); c.5193-5795G>A (NM_004012.4); c.1845-5795G>A (NM_004023.3, NM_004020.4, NM_004022.3 and 2 more transcripts); c.1038-5795G>A (NM_004014.3); c.9213-5795G>A (NM_004009.3); and 2 more; short protein forms G7S.
Identifiers: ClinVar variation 810544 (VCV000810544.47), dbSNP rs138287985, ClinGen allele CA10377868.

ClinVar aggregate classification (germline): Likely benign. Review status: criteria provided, multiple submitters, no conflicts (2 of 4 stars). 8 submissions from 8 submitters: Likely benign (4). 4 of the submissions do not count toward it. Last evaluated 2026-03-27.

Conditions:
DMD-related disorder. Also called: DMD-related condition.

Allele frequency attached by ClinVar (database versions not stated): TOPMed 0.00021; gnomAD exomes 0.00023; gnomAD 0.00025 and 0.00026; ExAC 0.00030.
gnomAD v4.1: 543 of 1,205,119 alleles (0.045%); highest among the groups gnomAD compares: Non-Finnish European, 0.056%; 1 homozygote.

Submissions (8):

Molecular Diagnostic Laboratory for Inherited Cardiovascular Disease, Montreal Heart Institute
Classification: Likely benign. Last evaluated: 2026-03-27. Review status: criteria provided, single submitter. Criteria: ACMG Guidelines, 2015. Collection method: clinical testing. Allele origin: germline. Affected: no.
Comment: BS1;BP1;BP4

Laboratory of Genetics, Children's Clinical University Hospital Latvia
Classification: Likely benign. Last evaluated: 2025-02-16. Review status: criteria provided, single submitter. Criteria: ACMG Guidelines, 2015. Collection method: clinical testing. Allele origin: germline. Affected: yes.

Blueprint Genetics
Classification: Likely benign. Last evaluated: 2024-10-24. Review status: criteria provided, single submitter. Criteria: ACMG Guidelines, 2015. Collection method: clinical testing. Allele origin: germline.

CeGaT Center for Human Genetics Tuebingen
Classification: Likely benign. Last evaluated: 2023-07-01. Review status: criteria provided, single submitter. Criteria: CeGaT Center For Human Genetics Tuebingen Variant Classification Criteria Version 2. Collection method: clinical testing. Allele origin: germline. Affected: yes. Observed: 2 variant alleles.
Comment: DMD: BP4, BS2

PreventionGenetics, part of Exact Sciences
Classification: Benign for DMD-related condition. Last evaluated: 2021-01-22. Review status: no assertion criteria provided. Collection method: clinical testing. Allele origin: germline. Not counted in ClinVar's aggregate classification.
Comment: This variant is classified as benign based on ACMG/AMP sequence variant interpretation guidelines (Richards et al. 2015 PMID: 25741868, with internal and published modifications).

Clinical Genetics DNA and cytogenetics Diagnostics Lab, Erasmus MC, Erasmus Medical Center
Classification: Likely benign. Review status: no assertion criteria provided. Collection method: clinical testing. Allele origin: germline. Affected: yes. Study: VKGL Data-share Consensus. Not counted in ClinVar's aggregate classification.

Genome Diagnostics Laboratory, University Medical Center Utrecht
Classification: Likely benign. Review status: no assertion criteria provided. Collection method: clinical testing. Allele origin: germline. Affected: yes. Study: VKGL Data-share Consensus. Not counted in ClinVar's aggregate classification.

Laboratory of Diagnostic Genome Analysis, Leiden University Medical Center (LUMC)
Classification: Likely benign. Review status: no assertion criteria provided. Collection method: clinical testing. Allele origin: germline. Affected: yes. Study: VKGL Data-share Consensus. Not counted in ClinVar's aggregate classification.